The following is an entry in ClinVar:

ClinVar aggregate classification (germline): Uncertain significance (1 of 4 stars; one submission).

Submission:

GeneDx
Classification: Uncertain significance. Last evaluated: 2021-05-27. Review status: criteria provided, single submitter. Criteria: GeneDx Variant Classification Process June 2021. Collection method: clinical testing. Allele origin: germline. Affected: yes.
Comment: Has not been previously published as pathogenic or benign to our knowledge; Not observed at significant frequency in large population cohorts (Lek et al., 2016); In silico analysis supports that this missense variant has a deleterious effect on protein structure/function; This variant is associated with the following publications: (PMID: 27535533, 21820098, 26125038, 21376300)

NM_001244008.2(KIF1A):c.538G>A (p.Asp180Asn)

Gene: KIF1A (kinesin family member 1A; minus strand). Cytogenetic location: 2q37.3.
Variant type: single nucleotide variant.
Coding change: c.538G>A on transcript NM_001244008.2 (MANE Select); coding-DNA position 538, G replaced by A.
Protein change: p.Asp180Asn; replaces aspartic acid 180 with asparagine.
Molecular consequence: missense variant.
Genome position (GRCh38, 1-based): chr2:240,786,405, C>T on the plus strand (G>A on the coding strand, the complement: KIF1A is on the minus strand). VCF-style: chr2-240786405-C-T. GRCh37 (hg19) VCF-style: chr2-241725822-C-T.
Other names: c.538G>A, p.Asp180Asn (NM_001320705.2, NM_001330289.2, NM_001330290.2 and 20 more transcripts); short protein forms D180N.
Identifiers: ClinVar variation 1306354 (VCV001306354.2), dbSNP rs2126071302, ClinGen allele CA351306050.